The following is an entry in ClinVar:

ClinVar aggregate classification (germline): Uncertain significance. Review status: criteria provided, multiple submitters, no conflicts (2 of 4 stars). 2 submissions from 2 submitters: Uncertain significance (2). Last evaluated 2025-12-08.

Conditions:
Cohen syndrome (COH1). Also called: PEPPER SYNDROME; Cutis verticis gyrata, retinitis pigmentosa, and sensorineural deafness. Identifiers: Orphanet 193, MedGen C0265223, MONDO:0008999, OMIM 216550.
VPS13B-related disorder. Also called: VPS13B-related condition.

Allele frequency attached by ClinVar (database versions not stated): gnomAD 0.00001.
gnomAD v4.1: 1 of 1,614,050 alleles (0.000062%); highest among the groups gnomAD compares: African/African-American, 0.0013%; no homozygotes.

Submissions (2):

PreventionGenetics, part of Exact Sciences
Classification: Uncertain significance for VPS13B-related condition. Last evaluated: 2025-12-08. Review status: criteria provided, single submitter. Criteria: ACMG Guidelines, 2015. Collection method: clinical testing. Allele origin: germline.
Comment: The VPS13B c.5731A>G variant is predicted to result in the amino acid substitution p.Thr1911Ala. To our knowledge, this variant has not been reported in the literature. This variant is reported in 0.011% of alleles in individuals of African descent in gnomAD. At this time, the clinical significance of this variant is uncertain due to the absence of conclusive functional and genetic evidence.

Labcorp Genetics (formerly Invitae), Labcorp
Classification: Uncertain significance for Cohen syndrome. Last evaluated: 2022-03-10. Review status: criteria provided, single submitter. Criteria: Invitae Variant Classification Sherloc (09022015). Collection method: clinical testing. Allele origin: germline.
Comment: This sequence change replaces threonine, which is neutral and polar, with alanine, which is neutral and non-polar, at codon 1936 of the VPS13B protein (p.Thr1936Ala). This variant is present in population databases (no rsID available, gnomAD 0.01%). This variant has not been reported in the literature in individuals affected with VPS13B-related conditions. Algorithms developed to predict the effect of missense changes on protein structure and function are either unavailable or do not agree on the potential impact of this missense change (SIFT: "Not Available"; PolyPhen-2: "Possibly Damaging"; Align-GVGD: "Not Available"). In summary, the available evidence is currently insufficient to determine the role of this variant in disease. Therefore, it has been classified as a Variant of Uncertain Significance.

NM_152564.5(VPS13B):c.5731A>G (p.Thr1911Ala)

Gene: VPS13B (vacuolar protein sorting 13 homolog B; plus strand). Cytogenetic location: 8q22.2.
Variant type: single nucleotide variant.
Coding change: c.5731A>G on transcript NM_152564.5 (MANE Select); coding-DNA position 5731, A replaced by G.
Protein change: p.Thr1911Ala; replaces threonine 1911 with alanine.
Molecular consequence: missense variant.
Genome position (GRCh38, 1-based): chr8:99,642,321, A>G. VCF-style: chr8-99642321-A-G. GRCh37 (hg19) VCF-style: chr8-100654549-A-G.
Other names: c.5806A>G, p.Thr1936Ala (NM_017890.5); c.5731A>G (NM_152564.4); short protein forms T1911A, T1936A.
Identifiers: ClinVar variation 1430461 (VCV001430461.6), dbSNP rs946197995, ClinGen allele CA183013629.